The following is an entry in ClinVar:

NM_000398.7(CYB5R3):c.548-12G>T

Gene: CYB5R3 (cytochrome b5 reductase 3; minus strand). Cytogenetic location: 22q13.2.
Variant type: single nucleotide variant.
Coding change: c.548-12G>T on transcript NM_000398.7 (MANE Select); 12 bases into the intron before coding-DNA position 548, G replaced by T.
Molecular consequence: intron variant.
Genome position (GRCh38, 1-based): chr22:42,627,401, C>A on the plus strand (G>T on the coding strand, the complement: CYB5R3 is on the minus strand). VCF-style: chr22-42627401-C-A. GRCh37 (hg19) VCF-style: chr22-43023407-C-A.
Other names: c.479-12G>T (NM_007326.4, NM_001171661.1, NM_001129819.2); c.647-12G>T (NM_001171660.2).
Identifiers: ClinVar variation 1941362 (VCV001941362.5), dbSNP rs1479369894, ClinGen allele CA639829210.

ClinVar aggregate classification (germline): Uncertain significance (1 of 4 stars; one submission).

Allele frequency attached by ClinVar (database versions not stated): gnomAD exomes 0.00001.
gnomAD v4.1: 3 of 1,613,094 alleles (0.00019%); highest among the groups gnomAD compares: Admixed American, 0.0017%; no homozygotes.

Submission:

Labcorp Genetics (formerly Invitae), Labcorp
Classification: Uncertain significance. Last evaluated: 2022-03-28. Review status: criteria provided, single submitter. Criteria: Invitae Variant Classification Sherloc (09022015). Collection method: clinical testing. Allele origin: germline.
Comment: Algorithms developed to predict the effect of sequence changes on RNA splicing suggest that this variant may disrupt the consensus splice site. This variant has not been reported in the literature in individuals affected with CYB5R3-related conditions. This variant is present in population databases (no rsID available, gnomAD 0.003%). This sequence change falls in intron 6 of the CYB5R3 gene. It does not directly change the encoded amino acid sequence of the CYB5R3 protein. In summary, the available evidence is currently insufficient to determine the role of this variant in disease. Therefore, it has been classified as a Variant of Uncertain Significance.